The following is an entry in ClinVar:

NM_000219.6(KCNE1):c.88C>A (p.Leu30Met)

Gene: KCNE1 (potassium voltage-gated channel subfamily E regulatory subunit 1; minus strand). Cytogenetic location: 21q22.12.
Variant type: single nucleotide variant.
Coding change: c.88C>A on transcript NM_000219.6 (MANE Select); coding-DNA position 88, C replaced by A.
Protein change: p.Leu30Met; replaces leucine 30 with methionine.
Molecular consequence: missense variant.
Genome position (GRCh38, 1-based): chr21:34,449,547, G>T on the plus strand (C>A on the coding strand, the complement: KCNE1 is on the minus strand). VCF-style: chr21-34449547-G-T. GRCh37 (hg19) VCF-style: chr21-35821845-G-T.
Other names: c.88C>A, p.Leu30Met (NM_001127668.4, NM_001127669.4, NM_001127670.4 and 4 more transcripts); short protein forms L30M.
Identifiers: ClinVar variation 3374013 (VCV003374013.2).

Conditions:
Long QT syndrome 5 (LQT5). Identifiers: Orphanet 101016, Orphanet 768, MedGen C1867904, MONDO:0013372, OMIM 613695.

Submission:

Roden Lab, Vanderbilt University Medical Center
No classification provided (evidence only). Condition: Long QT syndrome 5. Review status: no classification provided. Collection method: in vitro. Allele origin: not applicable. Functional consequence: Effect on ion channel function.
ClinVar note: "not provided" was previously submitted as the classification for the variant. However, the classification appeared to be based only on an observation of functional data so it was converted to no classification on 2025-07-30.